The following is an entry in ClinVar:

ClinVar aggregate classification (germline): Uncertain significance. Review status: criteria provided, multiple submitters, no conflicts (2 of 4 stars). 3 submissions from 3 submitters: Uncertain significance (2). 1 of the submissions does not count toward it. Last evaluated 2022-03-16.

Conditions:
Cerebral creatine deficiency syndrome. Also called: Creatine deficiency syndromes. Identifiers: Orphanet 79172, MedGen C5244016, MONDO:0000456.
Inborn genetic diseases. Identifiers: MedGen C0950123, MeSH D030342.
Deficiency of guanidinoacetate methyltransferase (CCDS2). Also called: GAMT DEFICIENCY; CEREBRAL CREATINE DEFICIENCY SYNDROME 2; Guanidinoacetate Methyltransferase (GAMT) Deficiency. Identifiers: Orphanet 382, MedGen C0574080, MONDO:0012999, OMIM 612736.

Allele frequency attached by ClinVar (database versions not stated): gnomAD exomes 0.00001 and 0.00002; TOPMed 0.00001; gnomAD 0.00002.

Submissions (3):

Ambry Genetics
Classification: Uncertain significance for Inborn genetic diseases. Last evaluated: 2022-03-16. Review status: criteria provided, single submitter. Criteria: Ambry Variant Classification Scheme 2023. Collection method: clinical testing. Allele origin: germline.

Labcorp Genetics (formerly Invitae), Labcorp
Classification: Uncertain significance for Cerebral creatine deficiency syndrome. Last evaluated: 2021-09-01. Review status: criteria provided, single submitter. Criteria: Invitae Variant Classification Sherloc (09022015). Collection method: clinical testing. Allele origin: germline.
Comment: This sequence change replaces glutamic acid with glycine at codon 14 of the GAMT protein (p.Glu14Gly). The glutamic acid residue is highly conserved and there is a moderate physicochemical difference between glutamic acid and glycine. The frequency data for this variant in the population databases is considered unreliable, as metrics indicate insufficient coverage at this position in the ExAC database. This variant has not been reported in the literature in individuals affected with GAMT-related conditions. Algorithms developed to predict the effect of missense changes on protein structure and function are either unavailable or do not agree on the potential impact of this missense change (SIFT: "Deleterious"; PolyPhen-2: "Probably Damaging"; Align-GVGD: "Class C0"). In summary, the available evidence is currently insufficient to determine the role of this variant in disease. Therefore, it has been classified as a Variant of Uncertain Significance.

Natera, Inc.
Classification: Uncertain significance for Guanidinoacetate methyltransferase deficiency. Last evaluated: 2020-06-10. Review status: no assertion criteria provided. Collection method: clinical testing. Allele origin: germline. Not counted in ClinVar's aggregate classification.

NM_000156.6(GAMT):c.41A>G (p.Glu14Gly)

Genes: GAMT (guanidinoacetate N-methyltransferase; minus strand), LOC130062945 (ATAC-STARR-seq lymphoblastoid silent region 9707; plus strand). Cytogenetic location: 19p13.3.
Variant type: single nucleotide variant.
Coding change: c.41A>G on transcript NM_000156.6 (MANE Select); coding-DNA position 41, A replaced by G.
Protein change: p.Glu14Gly; replaces glutamic acid 14 with glycine.
Molecular consequence: missense variant.
Genome position (GRCh38, 1-based): chr19:1,401,436, T>C on the plus strand (A>G on the coding strand, the complement: GAMT is on the minus strand). VCF-style: chr19-1401436-T-C. GRCh37 (hg19) VCF-style: chr19-1401435-T-C.
Other names: c.41A>G, p.Glu14Gly (NM_138924.3); short protein forms E14G.
Identifiers: ClinVar variation 941294 (VCV000941294.8), dbSNP rs1223870636, ClinGen allele CA402998388.